The following is an entry in ClinVar:

NM_000179.3(MSH6):c.3749A>G (p.His1250Arg)

Gene: MSH6 (mutS homolog 6; plus strand). Cytogenetic location: 2p16.3.
Variant type: single nucleotide variant.
Coding change: c.3749A>G on transcript NM_000179.3 (MANE Select); coding-DNA position 3749, A replaced by G.
Protein change: p.His1250Arg; replaces histidine 1250 with arginine.
Molecular consequence: missense variant.
Genome position (GRCh38, 1-based): chr2:47,806,306, A>G. VCF-style: chr2-47806306-A-G. GRCh37 (hg19) VCF-style: chr2-48033445-A-G.
Other names: c.2843A>G, p.His948Arg (NM_001281494.2, NM_001281493.2); c.3359A>G, p.His1120Arg (NM_001281492.2); short protein forms H1120R, H1250R, H948R.
Identifiers: ClinVar variation 662767 (VCV000662767.15), dbSNP rs749129928, ClinGen allele CA071947.
Genomic context (GRCh38, chr2:47,806,306, plus strand): 5'-CAGTTGTTAAAGAACTTGCTGAGACTATAAAATGTCGTACATTATTTTCAACTCACTACC[A>G]TTCATTAGTAGAAGATTATTCTCAAAATGTTGCTGTGCGCCTAGGACATATGGTATGTGC-3'
Protein context (NP_000170.1, residues 1240-1260): KCRTLFSTHY[His1250Arg]SLVEDYSQNV

ClinVar aggregate classification (germline): Conflicting classifications of pathogenicity. Review status: criteria provided, conflicting classifications (1 of 4 stars). 4 submissions from 4 submitters: Uncertain significance (3); Likely benign (1). Last evaluated 2025-12-08.

Conditions:
Hereditary cancer-predisposing syndrome. Also called: Neoplastic Syndromes, Hereditary; Tumor predisposition; Hereditary neoplastic syndrome; Hereditary Cancer Syndrome. Identifiers: Orphanet 140162, MedGen C0027672, MeSH D009386, MONDO:0015356.
Lynch syndrome. Identifiers: Orphanet 144, MedGen C4552100, MONDO:0005835. Disease mechanism: loss of function.
Hereditary nonpolyposis colorectal neoplasms. Identifiers: MedGen C0009405, MeSH D003123.

Allele frequency attached by ClinVar (database versions not stated): gnomAD exomes below 0.00001 and 0.00001; ExAC 0.00002.

Submissions (4):

Labcorp Genetics (formerly Invitae), Labcorp
Classification: Likely benign for Hereditary nonpolyposis colorectal neoplasms. Last evaluated: 2025-12-08. Review status: criteria provided, single submitter. Criteria: Invitae Variant Classification Sherloc (09022015). Collection method: clinical testing. Allele origin: germline.

Ambry Genetics
Classification: Uncertain significance for Hereditary cancer-predisposing syndrome. Last evaluated: 2024-01-19. Review status: criteria provided, single submitter. Criteria: Ambry Variant Classification Scheme 2023. Collection method: clinical testing. Allele origin: germline.
Comment: The p.H1250R variant (also known as c.3749A>G), located in coding exon 8 of the MSH6 gene, results from an A to G substitution at nucleotide position 3749. The histidine at codon 1250 is replaced by arginine, an amino acid with highly similar properties. This amino acid position is highly conserved in available vertebrate species. In addition, this alteration is predicted to be deleterious by in silico analysis. Since supporting evidence is limited at this time, the clinical significance of this alteration remains unclear.

All of Us Research Program, National Institutes of Health
Classification: Uncertain significance for Lynch syndrome. Last evaluated: 2023-12-13. Review status: criteria provided, single submitter. Criteria: ACMG Guidelines, 2015. Collection method: clinical testing. Allele origin: germline. Inheritance: Autosomal dominant inheritance. Observed: 1 variant allele, 1 heterozygote.
Comment: This missense variant replaces histidine with arginine at codon 1250 of the MSH6 protein. Computational prediction suggests that this variant may have deleterious impact on protein structure and function (internally defined REVEL score threshold >= 0.7, PMID: 27666373). To our knowledge, functional studies have not been reported for this variant. This variant has not been reported in individuals affected with MSH6-related disorders in the literature. This variant has been identified in 2/251200 chromosomes in the general population by the Genome Aggregation Database (gnomAD). The available evidence is insufficient to determine the role of this variant in disease conclusively. Therefore, this variant is classified as a Variant of Uncertain Significance.

This study involves interpretation of variants in research participants for the purpose of population health screening. Participant phenotype was not available at the time of variant classification. Additional details can be found in publication PMID: 35346344, PMCID: PMC8962531

Color Diagnostics, LLC DBA Color Health
Classification: Uncertain significance for Hereditary cancer-predisposing syndrome. Last evaluated: 2023-10-25. Review status: criteria provided, single submitter. Criteria: ACMG Guidelines, 2015. Collection method: clinical testing. Allele origin: germline.
Comment: This missense variant replaces histidine with arginine at codon 1250 of the MSH6 protein. Computational prediction suggests that this variant may have deleterious impact on protein structure and function (internally defined REVEL score threshold >= 0.7, PMID: 27666373). To our knowledge, functional studies have not been reported for this variant. This variant has not been reported in individuals affected with MSH6-related disorders in the literature. This variant has been identified in 2/251200 chromosomes in the general population by the Genome Aggregation Database (gnomAD). The available evidence is insufficient to determine the role of this variant in disease conclusively. Therefore, this variant is classified as a Variant of Uncertain Significance.